The following is an entry in ClinVar:

ClinVar aggregate classification (germline): Uncertain significance (1 of 4 stars; one submission).

Submission:

GeneDx
Classification: Uncertain significance. Last evaluated: 2025-11-24. Review status: criteria provided, single submitter. Criteria: GeneDx Variant Classification Process June 2021. Collection method: clinical testing. Allele origin: germline.
Comment: Not observed at significant frequency in large population cohorts (gnomAD); In silico analysis indicates that this missense variant does not alter protein structure/function; Has not been previously published as pathogenic or benign to our knowledge

NM_001370785.2(LRRC7):c.3270T>G (p.Phe1090Leu)

Genes: LRRC7 (leucine rich repeat containing 7; plus strand), LRRC7-AS1 (LRRC7 antisense RNA 1; minus strand). Cytogenetic location: 1p31.1.
Variant type: single nucleotide variant.
Coding change: c.3270T>G on transcript NM_001370785.2 (MANE Select); coding-DNA position 3270, T replaced by G.
Protein change: p.Phe1090Leu; replaces phenylalanine 1090 with leucine.
Molecular consequence: missense variant.
Genome position (GRCh38, 1-based): chr1:70,039,094, T>G. VCF-style: chr1-70039094-T-G. GRCh37 (hg19) VCF-style: chr1-70504777-T-G.
Other names: NM_020794.2:c.3156T>G; c.3171T>G, p.Phe1057Leu (NM_001330635.3, NM_001366841.1); c.3273T>G, p.Phe1091Leu (NM_001350216.3); c.3270T>G, p.Phe1090Leu (NM_001366838.3); c.3111T>G, p.Phe1037Leu (NM_001366839.3); short protein forms F1037L, F1057L, F1090L, F1091L.
Identifiers: ClinVar variation 3900108 (VCV003900108.2).